The following is an entry in ClinVar:

NM_001985.3(ETFB):c.597+6C>T

Gene: ETFB (electron transfer flavoprotein subunit beta; minus strand). Cytogenetic location: 19q13.41.
Variant type: single nucleotide variant.
Coding change: c.597+6C>T on transcript NM_001985.3 (MANE Select); 6 bases into the intron after coding-DNA position 597, C replaced by T.
Molecular consequence: intron variant.
Genome position (GRCh38, 1-based): chr19:51,346,894, G>A on the plus strand (C>T on the coding strand, the complement: ETFB is on the minus strand). VCF-style: chr19-51346894-G-A. GRCh37 (hg19) VCF-style: chr19-51850148-G-A.
Other names: c.870+6C>T (NM_001014763.1).
Identifiers: ClinVar variation 1364165 (VCV001364165.5), dbSNP rs539989327, ClinGen allele CA14740884.

ClinVar aggregate classification (germline): Uncertain significance (1 of 4 stars; one submission).

Conditions:
Multiple acyl-CoA dehydrogenase deficiency (MADD). Also called: ETHYLMALONIC-ADIPICACIDURIA; GA II; Glutaric Acidemia type 2; Glutaric aciduria, type 2; Glutaric acidemia type II; GA 2. Identifiers: Orphanet 26791, MedGen C0268596, MONDO:0009282, OMIM 231680.

Allele frequency attached by ClinVar (database versions not stated): TOPMed below 0.00001; gnomAD 0.00001.
gnomAD v4.1: 8 of 1,550,210 alleles (0.00052%); highest among the groups gnomAD compares: African/African-American, 0.0014%; no homozygotes.

Submission:

Labcorp Genetics (formerly Invitae), Labcorp
Classification: Uncertain significance for Multiple acyl-CoA dehydrogenase deficiency. Last evaluated: 2022-06-13. Review status: criteria provided, single submitter. Criteria: Invitae Variant Classification Sherloc (09022015). Collection method: clinical testing. Allele origin: germline.
Comment: This sequence change falls in intron 5 of the ETFB gene. It does not directly change the encoded amino acid sequence of the ETFB protein. It affects a nucleotide within the consensus splice site. This variant is present in population databases (no rsID available, gnomAD 0.01%). This variant has not been reported in the literature in individuals affected with ETFB-related conditions. Variants that disrupt the consensus splice site are a relatively common cause of aberrant splicing (PMID: 17576681, 9536098). Algorithms developed to predict the effect of sequence changes on RNA splicing suggest that this variant is not likely to affect RNA splicing. In summary, the available evidence is currently insufficient to determine the role of this variant in disease. Therefore, it has been classified as a Variant of Uncertain Significance.

Literature cited by the submitters: PubMed 17576681; PubMed 9536098.